The following is an entry in ClinVar:

NM_014271.4(IL1RAPL1):c.533A>C (p.Glu178Ala)

Gene: IL1RAPL1 (interleukin 1 receptor accessory protein like 1; plus strand). Cytogenetic location: Xp21.2.
Variant type: single nucleotide variant.
Coding change: c.533A>C on transcript NM_014271.4 (MANE Select); coding-DNA position 533, A replaced by C.
Protein change: p.Glu178Ala; replaces glutamic acid 178 with alanine.
Molecular consequence: missense variant.
Genome position (GRCh38, 1-based): chrX:29,396,428, A>C. VCF-style: chrX-29396428-A-C. GRCh37 (hg19) VCF-style: chrX-29414545-A-C.
Other names: short protein forms E178A.
Identifiers: ClinVar variation 3618250 (VCV003618250.2).

ClinVar aggregate classification (germline): Uncertain significance (1 of 4 stars; one submission).

Submission:

Labcorp Genetics (formerly Invitae), Labcorp
Classification: Uncertain significance. Last evaluated: 2024-07-01. Review status: criteria provided, single submitter. Criteria: Invitae Variant Classification Sherloc (09022015). Collection method: clinical testing. Allele origin: germline.
Comment: This sequence change replaces glutamic acid, which is acidic and polar, with alanine, which is neutral and non-polar, at codon 178 of the IL1RAPL1 protein (p.Glu178Ala). This variant is not present in population databases (gnomAD no frequency). This variant has not been reported in the literature in individuals affected with IL1RAPL1-related conditions. An algorithm developed to predict the effect of missense changes on protein structure and function (PolyPhen-2) suggests that this variant is likely to be tolerated. In summary, the available evidence is currently insufficient to determine the role of this variant in disease. Therefore, it has been classified as a Variant of Uncertain Significance.